The following is an entry in ClinVar:

NM_000384.3(APOB):c.3561A>G (p.Lys1187=)

Gene: APOB (apolipoprotein B; minus strand). Cytogenetic location: 2p24.1.
Variant type: single nucleotide variant.
Coding change: c.3561A>G on transcript NM_000384.3 (MANE Select); coding-DNA position 3561, A replaced by G.
Protein change: p.Lys1187=; no amino-acid change (lysine 1187 retained).
Molecular consequence: synonymous variant.
Genome position (GRCh38, 1-based): chr2:21,015,208, T>C on the plus strand (A>G on the coding strand, the complement: APOB is on the minus strand). VCF-style: chr2-21015208-T-C. GRCh37 (hg19) VCF-style: chr2-21238080-T-C.
Identifiers: ClinVar variation 1339303 (VCV001339303.1), dbSNP rs2103362720, ClinGen allele CA425347240.

ClinVar aggregate classification (germline): Likely benign (1 of 4 stars; one submission).

Submission:

Phosphorus, Inc.
Classification: Likely benign. Last evaluated: 2022-01-15. Review status: criteria provided, single submitter. Criteria: ACMG Guidelines, 2015. Collection method: clinical testing. Allele origin: germline. Inheritance: Autosomal recessive inheritance.
Comment: This synonymous variant has no entry in ClinVar and has not occurred in population databases (NM_000384.2). This position is conserved. In silico splicing algorithm was unavailable, however it is not predicted to impact splicing due to its distance from the splice site. No functional studies were performed to confirm this prediction. The variant has not occurred in literature associated with disease. Considering the above evidence, this variant has been classified as Likely Benign.